The following is an entry in ClinVar:

ClinVar aggregate classification (germline): Uncertain significance (1 of 4 stars; one submission).

Conditions:
Cardiovascular phenotype. Identifiers: MedGen CN230736.

Submission:

Ambry Genetics
Classification: Uncertain significance for Cardiovascular phenotype. Last evaluated: 2024-10-28. Review status: criteria provided, single submitter. Criteria: Ambry Variant Classification Scheme 2023. Collection method: clinical testing. Allele origin: germline.
Comment: The c.120_140del21insCTA variant, located in coding exon 1 of the PCSK9 gene, results from an in-frame deletion of GCTGGTGCTAGCCTTGCGTTC and insertion of CTA at nucleotide positions 120 to 140. This results in the substitution of the residues at codons 40 through 47 (p.E40_S47delinsDY). This amino acid positions are not well conserved in available vertebrate species. In addition, the in silico prediction for this alteration is inconclusive (Choi Y et al. PLoS ONE. 2012; 7(10):e46688). Based on the available evidence, the clinical significance of this variant remains unclear.

NM_174936.4(PCSK9):c.120_140delinsCTA (p.Glu40_Ser47delinsAspTyr)

Gene: PCSK9 (proprotein convertase subtilisin/kexin type 9; plus strand). Cytogenetic location: 1p32.3.
Variant type: Indel.
Coding change: c.120_140delinsCTA on transcript NM_174936.4 (MANE Select); coding-DNA positions 120 to 140, GCTGGTGCTAGCCTTGCGTTC replaced by CTA.
Protein change: p.Glu40_Ser47delinsAspTyr.
Molecular consequence: inframe indel. On other transcripts: 5 prime UTR variant (1), non-coding transcript variant (8).
Genome position (GRCh38, 1-based): chr1:55,039,957-55,039,977, GCTGGTGCTAGCCTTGCGTTC replaced by CTA. VCF-style: chr1-55039957-GCTGGTGCTAGCCTTGCGTTC-CTA. GRCh37 (hg19) VCF-style: chr1-55505630-GCTGGTGCTAGCCTTGCGTTC-CTA.
Other names: c.120_140delinsCTA, p.Glu40_Ser47delinsAspTyr (NM_001407240.1, NM_001407241.1, NM_001407242.1 and 4 more transcripts); c.-615_-595delinsCTA (NM_001407246.1).
Identifiers: ClinVar variation 3415992 (VCV003415992.1).